The following is an entry in ClinVar:

NM_000238.4(KCNH2):c.2776_2784dup (p.Pro926_Gly928dup)

Gene: KCNH2 (potassium voltage-gated channel subfamily H member 2; minus strand). Cytogenetic location: 7q36.1.
Variant type: Duplication.
Coding change: c.2776_2784dup on transcript NM_000238.4 (MANE Select); coding-DNA positions 2776 to 2784, 9 bases duplicated (CCGTGGGGG; older notation c.2776_2784dupCCGTGGGGG).
Protein change: p.Pro926_Gly928dup.
Molecular consequence: inframe insertion.
Genome position (GRCh38, 1-based): chr7:150,947,787-150,947,795, CCCCCACGG duplicated on the plus strand (CCGTGGGGG on the coding strand, the reverse complement: KCNH2 is on the minus strand); duplicating any 9 consecutive bases within chr7:150,947,787-150,947,800 gives the same sequence; the c. name uses the placement nearest the transcript's 3' end. VCF-style (leftmost placement, unchanged base first): chr7-150947786-C-CCCCCCACGG. GRCh37 (hg19) VCF-style: chr7-150644874-C-CCCCCCACGG.
Other names: c.1756_1764dup, p.Pro586_Gly588dup (NM_172057.3).
Identifiers: ClinVar variation 1040565 (VCV001040565.8), dbSNP rs1237412972, ClinGen allele CA835222386.

ClinVar aggregate classification (germline): Uncertain significance (1 of 4 stars; one submission).

Conditions:
Long QT syndrome (LQTS). Identifiers: MedGen C0023976, MeSH D008133, MONDO:0002442. Disease mechanism: loss of function. Inheritance: Various modes of inheritance.

Submission:

Labcorp Genetics (formerly Invitae), Labcorp
Classification: Uncertain significance for Long QT syndrome. Last evaluated: 2025-09-23. Review status: criteria provided, single submitter. Criteria: Invitae Variant Classification Sherloc (09022015). Collection method: clinical testing. Allele origin: germline.
Comment: This variant, c.2776_2784dup, results in the insertion of 3 amino acid(s) of the KCNH2 protein (p.Pro926_Gly928dup), but otherwise preserves the integrity of the reading frame. This variant is not present in population databases (gnomAD no frequency). This variant has not been reported in the literature in individuals affected with KCNH2-related conditions. ClinVar contains an entry for this variant (Variation ID: 1040565). Experimental studies and prediction algorithms are not available or were not evaluated, and the functional significance of this variant is currently unknown. In summary, the available evidence is currently insufficient to determine the role of this variant in disease. Therefore, it has been classified as a Variant of Uncertain Significance.